The following is an entry in ClinVar:

ClinVar aggregate classification (germline): Pathogenic (1 of 4 stars; one submission).

Submission:

Labcorp Genetics (formerly Invitae), Labcorp
Classification: Pathogenic. Last evaluated: 2025-07-23. Review status: criteria provided, single submitter. Criteria: Invitae Variant Classification Sherloc (09022015). Collection method: clinical testing. Allele origin: germline.
Comment: This sequence change creates a premature translational stop signal (p.Arg367Glyfs*42) in the CHM gene. It is expected to result in an absent or disrupted protein product. Loss-of-function variants in CHM are known to be pathogenic (PMID: 9067750, 23811034). This variant is not present in population databases (gnomAD no frequency). This variant has not been reported in the literature in individuals affected with CHM-related conditions. ClinVar contains an entry for this variant (Variation ID: 3658037). For these reasons, this variant has been classified as Pathogenic.

Literature cited by the submitters: PubMed 9067750; PubMed 23811034.

NM_000390.4(CHM):c.1095del (p.Arg367fs)

Gene: CHM (CHM Rab escort protein; minus strand). Cytogenetic location: Xq21.2.
Variant type: Deletion.
Coding change: c.1095del on transcript NM_000390.4 (MANE Select); coding-DNA position 1095, one base deleted (T; older notation c.1095delT).
Protein change: p.Arg367fs; shifts the reading frame from arginine 367.
Molecular consequence: frameshift variant.
Genome position (GRCh38, 1-based): chrX:85,956,224, A deleted on the plus strand (T on the coding strand, the reverse complement: CHM is on the minus strand); the first of 2 consecutive A bases (chrX:85,956,224-85,956,225); deleting either gives the same sequence. VCF-style (leftmost placement, unchanged base first): chrX-85956223-CA-C. GRCh37 (hg19) VCF-style: chrX-85211228-CA-C.
Other names: c.651del, p.Arg219fs (NM_001320959.1, NM_001362517.1, NM_001362518.2 and 1 more transcripts); short protein forms R219fs, R367fs.
Identifiers: ClinVar variation 3658037 (VCV003658037.2).